The following is an entry in ClinVar:

NC_000009.11:g.(108484903_108510353)_(108538893_?)del

Gene: TMEM38B (transmembrane protein 38B; plus strand). Cytogenetic location: 9q31.2.
Variant type: Deletion.
Identifiers: ClinVar variation 2445843 (VCV002445843.1).

ClinVar aggregate classification (germline): Likely pathogenic (1 of 4 stars; one submission).

Conditions:
Osteogenesis imperfecta (OI). Identifiers: Orphanet 666, MedGen C0029434, MeSH D010013, MONDO:0019019.

Submission:

Women's Health and Genetics/Laboratory Corporation of America, LabCorp
Classification: Likely pathogenic for Osteogenesis imperfecta. Last evaluated: 2023-02-14. Review status: criteria provided, single submitter. Criteria: LabCorp Variant Classification Summary - May 2015. Collection method: clinical testing. Allele origin: germline.
Comment: Variant summary: The variant identified by MLPA or other technology involves the deletion of exons 5-6, which includes the last exon in the TMEM38B gene. The exact breakpoint at the 3' end of this variant is unknown, and therefore this deletion might extend downstream of the assayed region of the gene. A presumed nomenclature of c.(542+1_543-1)_(*2532_?)del has been designated for the purposes of this classification. Although exact breakpoints of this deletion are not known, it is not expected to cause nonsense mediated decay (NMD), but is predicted to cause a large truncation of the encoded protein (removing amino acids ~181-291, and likely replacing it with an incorrect sequence). The variant was absent in 21346 control chromosomes (gnomAD database, structural variants dataset). To our knowledge, no occurrence of c.(542+1_543-1)_(*2532_?)del in individuals affected with Osteogenesis Imperfecta and no experimental evidence demonstrating its impact on protein function have been reported. However, a large deletion variant overlapping with our variant of interest (i.e. exon 5 deletion) was reported in affected individual(s) (HGMD), which might indicate a functional importance for the deleted protein region. No submitters have provided clinical-significance assessments for this variant to ClinVar after 2014. Based on the evidence outlined above, the variant was classified as likely pathogenic.